The following is an entry in ClinVar:

ClinVar aggregate classification (germline): Uncertain significance. Review status: criteria provided, single submitter (1 of 4 stars). 3 submissions from 2 submitters: Uncertain significance (1). 2 of the submissions do not count toward it. Last evaluated 2024-05-21.

Conditions:
Charcot-Marie-Tooth disease. Also called: Charcot-Marie-Tooth Neuropathy; Charcot-Marie-Tooth Hereditary Neuropathy. Identifiers: Orphanet 166, MedGen C0007959, MONDO:0015626.
Charcot-Marie-Tooth disease, type I (CMT1). Also called: Charcot-Marie-Tooth disease type 1; Charcot-Marie-Tooth, Type 1. Identifiers: Orphanet 65753, MedGen C0751036, MONDO:0019011.

Allele frequency attached by ClinVar (database versions not stated): gnomAD exomes below 0.00001.
gnomAD v4.1: 1 of 1,613,998 alleles (0.000062%); highest among the groups gnomAD compares: Non-Finnish European, 0.000085%; no homozygotes.

Submissions (3):

Labcorp Genetics (formerly Invitae), Labcorp
Classification: Uncertain significance for Charcot-Marie-Tooth disease, type I. Last evaluated: 2024-05-21. Review status: criteria provided, single submitter. Criteria: Invitae Variant Classification Sherloc (09022015). Collection method: clinical testing. Allele origin: germline.
Comment: This sequence change replaces arginine, which is basic and polar, with proline, which is neutral and non-polar, at codon 159 of the PMP22 protein (p.Arg159Pro). This variant is present in population databases (no rsID available, gnomAD 0.0009%). This variant has not been reported in the literature in individuals affected with PMP22-related conditions. ClinVar contains an entry for this variant (Variation ID: 580036). An algorithm developed to predict the effect of missense changes on protein structure and function (PolyPhen-2) suggests that this variant is likely to be disruptive. In summary, the available evidence is currently insufficient to determine the role of this variant in disease. Therefore, it has been classified as a Variant of Uncertain Significance.

Genesis Genome Database
Classification: Uncertain significance for Charcot-Marie-Tooth disease, type I. Last evaluated: 2019-08-14. Review status: no assertion criteria provided. Collection method: research. Allele origin: germline. Affected: yes. Not counted in ClinVar's aggregate classification.

Genesis Genome Database
Classification: Uncertain significance for Charcot-Marie-Tooth disease. Last evaluated: 2019-08-14. Review status: no assertion criteria provided. Collection method: research. Allele origin: germline. Affected: yes. Not counted in ClinVar's aggregate classification.

NM_000304.4(PMP22):c.476G>C (p.Arg159Pro)

Gene: PMP22 (peripheral myelin protein 22; minus strand). Cytogenetic location: 17p12.
Variant type: single nucleotide variant.
Coding change: c.476G>C on transcript NM_000304.4 (MANE Select); coding-DNA position 476, G replaced by C.
Protein change: p.Arg159Pro; replaces arginine 159 with proline.
Molecular consequence: missense variant. On other transcripts: non-coding transcript variant (2).
Genome position (GRCh38, 1-based): chr17:15,230,924, C>G on the plus strand (G>C on the coding strand, the complement: PMP22 is on the minus strand). VCF-style: chr17-15230924-C-G. GRCh37 (hg19) VCF-style: chr17-15134241-C-G.
Other names: c.476G>C, p.Arg159Pro (NM_001281455.2, NM_001281456.2, NM_153321.3 and 1 more transcripts); short protein forms R159P.
Identifiers: ClinVar variation 580036 (VCV000580036.8), dbSNP rs773478255, ClinGen allele CA398739429.
Genomic context (GRCh38, chr17:15,230,924, plus strand): 5'-CTTCCTCCCTTCCCTATGTACGCTCAGAGCCTCAGACAGACCGTCTGGGCGCCTCATTCG[C>G]GTTTCCGCAAGATCACATAGATGACACCGCTGAGAAGGGCCAGGGGGAAGGCCACCCAGG-3'
Protein context (NP_000295.1, residues 149-160): SGVIYVILRK[Arg159Pro]E